The following is an entry in ClinVar:

ClinVar aggregate classification (germline): Uncertain significance (1 of 4 stars; one submission).

Conditions:
Hereditary cancer-predisposing syndrome. Also called: Neoplastic Syndromes, Hereditary; Hereditary Cancer Syndrome; Hereditary neoplastic syndrome; Tumor predisposition. Identifiers: Orphanet 140162, MedGen C0027672, MeSH D009386, MONDO:0015356.

Allele frequency attached by ClinVar (database versions not stated): gnomAD exomes below 0.00001.
gnomAD v4.1: 1 of 1,614,208 alleles (0.000062%); highest among the groups gnomAD compares: South Asian, 0.0011%; no homozygotes.

Submission:

Ambry Genetics
Classification: Uncertain significance for Hereditary cancer-predisposing syndrome. Last evaluated: 2023-05-31. Review status: criteria provided, single submitter. Criteria: Ambry Variant Classification Scheme 2023. Collection method: clinical testing. Allele origin: germline.
Comment: The p.S75N variant (also known as c.224G>A), located in coding exon 1 of the PHOX2B gene, results from a G to A substitution at nucleotide position 224. The serine at codon 75 is replaced by asparagine, an amino acid with highly similar properties. This amino acid position is conserved. In addition, this alteration is predicted to be tolerated by in silico analysis. Since supporting evidence is limited at this time, the clinical significance of this alteration remains unclear.

NM_003924.4(PHOX2B):c.224G>A (p.Ser75Asn)

Genes: PHOX2B (paired like homeobox 2B; minus strand), PHOX2B-AS1 (PHOX2B antisense RNA 1; plus strand). Cytogenetic location: 4p13.
Variant type: single nucleotide variant.
Coding change: c.224G>A on transcript NM_003924.4 (MANE Select); coding-DNA position 224, G replaced by A.
Protein change: p.Ser75Asn; replaces serine 75 with asparagine.
Molecular consequence: missense variant.
Genome position (GRCh38, 1-based): chr4:41,748,387, C>T on the plus strand (G>A on the coding strand, the complement: PHOX2B is on the minus strand). VCF-style: chr4-41748387-C-T. GRCh37 (hg19) VCF-style: chr4-41750404-C-T.
Other names: short protein forms S75N.
Identifiers: ClinVar variation 2563113 (VCV002563113.2), dbSNP rs2552097161, ClinGen allele CA356740807.
Genomic context (GRCh38, chr4:41,748,387, plus strand): 5'-CGGAAAGGCGGCTTCCTCCGCTGAGAAAGCTGAAGGTCCTTACCTGCGGCGTACGGACTG[C>T]TCTGGTGGTCCCTGAGGGTGCCCAGGCTGCAGGATCCCGGCGTGAGGGAAGGGCAGCCGG-3'
Protein context (NP_003915.2, residues 65-85): CSLGTLRDHQ[Ser75Asn]SPYAAVPYKL